The following is an entry in ClinVar:

NM_004385.5(VCAN):c.*1436C>T

Gene: VCAN (versican; plus strand). Cytogenetic location: 5q14.3.
Variant type: single nucleotide variant.
Coding change: c.*1436C>T on transcript NM_004385.5 (MANE Select); 1436 bases downstream of the stop codon, C replaced by T.
Molecular consequence: 3 prime UTR variant.
Genome position (GRCh38, 1-based): chr5:83,581,870, C>T. VCF-style: chr5-83581870-C-T. GRCh37 (hg19) VCF-style: chr5-82877689-C-T.
Other names: c.*1436C>T (NM_001126336.3, NM_001164097.2, NM_001164098.2).
Identifiers: ClinVar variation 354493 (VCV000354493.6), dbSNP rs15071, ClinGen allele CA10625179.

ClinVar aggregate classification (germline): Benign (1 of 4 stars; one submission).

Conditions:
Vitreoretinopathy. Also called: Vitreoretinal degeneration. Identifiers: MedGen C0344290, MONDO:0020248, HP:0007773.

Allele frequency attached by ClinVar (database versions not stated): gnomAD 0.16029; TOPMed 0.16667; 1000 Genomes Project 30x 0.16896; 1000 Genomes Project 0.16993.

Submission:

Illumina Laboratory Services, Illumina
Classification: Benign for Vitreoretinopathy. Last evaluated: 2018-01-13. Review status: criteria provided, single submitter. Criteria: ICSL Variant Classification Criteria 13 December 2019. Collection method: clinical testing. Allele origin: germline.
Comment: This variant was observed in the ICSL laboratory as part of a predisposition screen in an ostensibly healthy population. It had not been previously curated by ICSL or reported in the Human Gene Mutation Database (HGMD: prior to June 1st, 2018), and was therefore a candidate for classification through an automated scoring system. Utilizing variant allele frequency, disease prevalence and penetrance estimates, and inheritance mode, an automated score was calculated to assess if this variant is too frequent to cause the disease. Based on the score and internal cut-off values, a variant classified as benign is not then subjected to further curation. The score for this variant resulted in a classification of benign for this disease.